The following is an entry in ClinVar:

ClinVar aggregate classification (germline): Uncertain significance (1 of 4 stars; one submission).

Conditions:
Dyskeratosis congenita. Identifiers: Orphanet 1775, MedGen C0265965, MONDO:0015780.

Submission:

Ambry Genetics
Classification: Uncertain significance for Dyskeratosis congenita. Last evaluated: 2024-07-30. Review status: criteria provided, single submitter. Criteria: Ambry Variant Classification Scheme 2023. Collection method: clinical testing. Allele origin: germline.
Comment: The p.L545Q variant (also known as c.1634T>A), located in coding exon 3 of the TERT gene, results from a T to A substitution at nucleotide position 1634. The leucine at codon 545 is replaced by glutamine, an amino acid with dissimilar properties. This amino acid position is conserved. In addition, this alteration is predicted to be deleterious by in silico analysis. Based on the available evidence, the clinical significance of this variant remains unclear.

NM_198253.3(TERT):c.1634T>A (p.Leu545Gln)

Gene: TERT (telomerase reverse transcriptase; minus strand). Cytogenetic location: 5p15.33.
Variant type: single nucleotide variant.
Coding change: c.1634T>A on transcript NM_198253.3 (MANE Select); coding-DNA position 1634, T replaced by A.
Protein change: p.Leu545Gln; replaces leucine 545 with glutamine.
Molecular consequence: missense variant. On other transcripts: non-coding transcript variant (2).
Genome position (GRCh38, 1-based): chr5:1,282,564, A>T on the plus strand (T>A on the coding strand, the complement: TERT is on the minus strand). VCF-style: chr5-1282564-A-T. GRCh37 (hg19) VCF-style: chr5-1282679-A-T.
Other names: c.1634T>A, p.Leu545Gln (NM_001193376.3); short protein forms L545Q.
Identifiers: ClinVar variation 3455167 (VCV003455167.1).